The following is an entry in ClinVar:

ClinVar aggregate classification (germline): Benign/Likely benign. Review status: criteria provided, multiple submitters, no conflicts (2 of 4 stars). 3 submissions from 3 submitters: Benign (1); Likely benign (1). 1 of the submissions does not count toward it. Last evaluated 2025-12-14.

Conditions:
BPNT2-related disorder. Also called: BPNT2-related condition.
Chondrodysplasia with joint dislocations, gPAPP type. Also called: GPAPP DEFICIENCY. Identifiers: Orphanet 280586, MedGen C3279757, MONDO:0013561, OMIM 614078.

Allele frequency attached by ClinVar (database versions not stated): TOPMed 0.00045; ESP Exome Variant Server 0.00069; 1000 Genomes Project 30x 0.00078; 1000 Genomes Project 0.00080; gnomAD exomes 0.00095 and 0.00163; gnomAD 0.00137 and 0.00143; ExAC 0.00193.
gnomAD v4.1: 1,630 of 1,614,184 alleles (0.1%); highest among the groups gnomAD compares: Non-Finnish European, 0.085%; 14 homozygotes.

Submissions (3):

Labcorp Genetics (formerly Invitae), Labcorp
Classification: Benign. Last evaluated: 2025-12-14. Review status: criteria provided, single submitter. Criteria: Invitae Variant Classification Sherloc (09022015). Collection method: clinical testing. Allele origin: germline.

Illumina Laboratory Services, Illumina
Classification: Likely benign for Chondrodysplasia with joint dislocations, gPAPP type. Last evaluated: 2018-01-12. Review status: criteria provided, single submitter. Criteria: ICSL Variant Classification Criteria 13 December 2019. Collection method: clinical testing. Allele origin: germline.
Comment: This variant was observed in the ICSL laboratory as part of a predisposition screen in an ostensibly healthy population. It had not been previously curated by ICSL or reported in the Human Gene Mutation Database (HGMD: prior to June 1st, 2018), and was therefore a candidate for classification through an automated scoring system. Utilizing variant allele frequency, disease prevalence and penetrance estimates, and inheritance mode, an automated score was calculated to assess if this variant is too frequent to cause the disease. Based on the score and internal cut-off values, a variant classified as likely benign is not then subjected to further curation. The score for this variant resulted in a classification of likely benign for this disease.

PreventionGenetics, part of Exact Sciences
Classification: Benign for BPNT2-related condition. Last evaluated: 2019-04-30. Review status: no assertion criteria provided. Collection method: clinical testing. Allele origin: germline. Not counted in ClinVar's aggregate classification.
Comment: This variant is classified as benign based on ACMG/AMP sequence variant interpretation guidelines (Richards et al. 2015 PMID: 25741868, with internal and published modifications).

NM_017813.5(BPNT2):c.964G>A (p.Glu322Lys)

Gene: BPNT2 (3'(2'), 5'-bisphosphate nucleotidase 2; minus strand). Cytogenetic location: 8q12.1.
Variant type: single nucleotide variant.
Coding change: c.964G>A on transcript NM_017813.5 (MANE Select); coding-DNA position 964, G replaced by A.
Protein change: p.Glu322Lys; replaces glutamic acid 322 with lysine.
Molecular consequence: missense variant.
Genome position (GRCh38, 1-based): chr8:56,963,909, C>T on the plus strand (G>A on the coding strand, the complement: BPNT2 is on the minus strand). VCF-style: chr8-56963909-C-T. GRCh37 (hg19) VCF-style: chr8-57876468-C-T.
Other names: short protein forms E322K.
Identifiers: ClinVar variation 363403 (VCV000363403.15), dbSNP rs76235334, ClinGen allele CA4755766.